The following is an entry in ClinVar:

NM_001162501.2(TNRC6B):c.1678A>G (p.Arg560Gly)

Gene: TNRC6B (trinucleotide repeat containing adaptor 6B; plus strand). Cytogenetic location: 22q13.1.
Variant type: single nucleotide variant.
Coding change: c.1678A>G on transcript NM_001162501.2 (MANE Select); coding-DNA position 1678, A replaced by G.
Protein change: p.Arg560Gly; replaces arginine 560 with glycine.
Molecular consequence: missense variant. On other transcripts: intron variant (1).
Genome position (GRCh38, 1-based): chr22:40,265,908, A>G. VCF-style: chr22-40265908-A-G. GRCh37 (hg19) VCF-style: chr22-40661912-A-G.
Other names: c.1678A>G, p.Arg560Gly (NM_015088.3); c.565+3735A>G (NM_001024843.2); short protein forms R560G.
Identifiers: ClinVar variation 3765678 (VCV003765678.1).

ClinVar aggregate classification (germline): Uncertain significance (1 of 4 stars; one submission).

gnomAD v4.1: 1 of 1,614,072 alleles (0.000062%); highest among the groups gnomAD compares: Non-Finnish European, 0.000085%; no homozygotes.

Submission:

Greenwood Genetic Center Diagnostic Laboratories, Greenwood Genetic Center
Classification: Uncertain significance. Last evaluated: 2024-10-01. Review status: criteria provided, single submitter. Criteria: ACMG Guidelines, 2015. Collection method: clinical testing. Allele origin: germline. Affected: yes.
Comment: PM2, BP4